The following is an entry in ClinVar:

NM_002439.5(MSH3):c.3033T>A (p.Tyr1011Ter)

Gene: MSH3 (mutS homolog 3; plus strand). Cytogenetic location: 5q14.1.
Variant type: single nucleotide variant.
Coding change: c.3033T>A on transcript NM_002439.5 (MANE Select); coding-DNA position 3033, T replaced by A.
Protein change: p.Tyr1011Ter; replaces tyrosine 1011 with a stop codon.
Molecular consequence: nonsense.
Genome position (GRCh38, 1-based): chr5:80,864,845, T>A. VCF-style: chr5-80864845-T-A. GRCh37 (hg19) VCF-style: chr5-80160664-T-A.
Other names: c.3033T>A (NM_002439.3); short protein forms Y1011*.
Identifiers: ClinVar variation 3379266 (VCV003379266.2).

ClinVar aggregate classification (germline): Pathogenic. Review status: criteria provided, multiple submitters, no conflicts (2 of 4 stars). 2 submissions from 2 submitters: Pathogenic (2). Last evaluated 2025-04-23.

Conditions:
Hereditary cancer-predisposing syndrome. Also called: Neoplastic Syndromes, Hereditary; Tumor predisposition; Hereditary Cancer Syndrome; Hereditary neoplastic syndrome. Identifiers: Orphanet 140162, MedGen C0027672, MeSH D009386, MONDO:0015356.
Familial adenomatous polyposis 4 (FAP4). Also called: MSH3-related attenuated familial adenomatous polyposis. Identifiers: Orphanet 480536, MedGen C4310719, MONDO:0044300, OMIM 617100.

Submissions (2):

Ambry Genetics
Classification: Pathogenic for Hereditary cancer-predisposing syndrome. Last evaluated: 2025-04-23. Review status: criteria provided, single submitter. Criteria: Ambry Variant Classification Scheme 2023. Collection method: clinical testing. Allele origin: germline.
Comment: The p.Y1011* pathogenic mutation (also known as c.3033T>A), located in coding exon 22 of the MSH3 gene, results from a T to A substitution at nucleotide position 3033. This changes the amino acid from a tyrosine to a stop codon within coding exon 22. This variant is considered to be rare based on population cohorts in the Genome Aggregation Database (gnomAD). This alteration is expected to result in loss of function by premature protein truncation or nonsense-mediated mRNA decay. As such, this alteration is interpreted as a disease-causing mutation.

Myriad Genetics, Inc.
Classification: Pathogenic for Familial adenomatous polyposis 4. Last evaluated: 2024-08-20. Review status: criteria provided, single submitter. Criteria: Myriad Autosomal Dominant, Autosomal Recessive and X-Linked Classification Criteria (2023). Collection method: clinical testing. Allele origin: unknown.
Comment: This variant is considered pathogenic. This variant creates a termination codon and is predicted to result in premature protein truncation.